The following is an entry in ClinVar:

NM_001367624.2(ZNF469):c.10424G>T (p.Arg3475Leu)

Gene: ZNF469 (zinc finger protein 469; plus strand). Cytogenetic location: 16q24.2.
Variant type: single nucleotide variant.
Coding change: c.10424G>T on transcript NM_001367624.2 (MANE Select); coding-DNA position 10424, G replaced by T.
Protein change: p.Arg3475Leu; replaces arginine 3475 with leucine.
Molecular consequence: missense variant.
Genome position (GRCh38, 1-based): chr16:88,437,894, G>T. VCF-style: chr16-88437894-G-T. GRCh37 (hg19) VCF-style: chr16-88504302-G-T.
Other names: short protein forms R3475L.
Identifiers: ClinVar variation 4848326 (VCV004848326.1).

ClinVar aggregate classification (germline): Uncertain significance (1 of 4 stars; one submission).

gnomAD v4.1: 7 of 1,540,422 alleles (0.00045%); highest among the groups gnomAD compares: Admixed American, 0.002%; no homozygotes.

Submission:

Women's Health and Genetics/Laboratory Corporation of America, LabCorp
Classification: Uncertain significance. Last evaluated: 2026-02-16. Review status: criteria provided, single submitter. Criteria: LabCorp Variant Classification Summary - May 2015. Collection method: clinical testing. Allele origin: germline.
Comment: Variant summary: ZNF469 c.10424G>T (p.Arg3475Leu) results in a non-conservative amino acid change in the encoded protein sequence. Algorithms developed to predict the effect of missense changes on protein structure and function are either unavailable or do not agree on the potential impact of this missense change. The variant allele was found at a frequency of 1.4e-05 in 142070 control chromosomes in the gnomAD database. The available data on variant occurrences in the general population are insufficient to allow any conclusion about variant significance. To our knowledge, no occurrence of c.10424G>T in individuals affected with ZNF469-related conditions and no experimental evidence demonstrating its impact on protein function have been reported. No submitters have cited clinical-significance assessments for this variant to ClinVar. Based on the evidence outlined above, the variant was classified as uncertain significance.